The following is an entry in ClinVar:

ClinVar aggregate classification (germline): Likely pathogenic (1 of 4 stars; one submission).

Conditions:
KBG syndrome (KBGS). Also called: ANKRD11-Related KBG Syndrome. Identifiers: Orphanet 2332, MedGen C0220687, MONDO:0007846, OMIM 148050.

Submission:

Clinical Genetics Laboratory, Region Ostergotland
Classification: Likely pathogenic for KBG syndrome. Last evaluated: 2025-05-16. Review status: criteria provided, single submitter. Criteria: ACMG Guidelines, 2015. Collection method: clinical testing. Allele origin: germline. Affected: yes.
Comment: This frameshift is predicted to result in Loss of function due to a premature STOP at His1256Glnfs*61. The variant is not found in population database (no frequency gnomAD v4.1.0). Based on this information, the following ACMG/AMP criteria were applied in classifying this variant: PVS1, PM2

NM_013275.6(ANKRD11):c.3768_3771del (p.His1256fs)

Gene: ANKRD11 (ankyrin repeat domain 11; minus strand). Cytogenetic location: 16q24.3.
Variant type: Deletion.
Coding change: c.3768_3771del on transcript NM_013275.6 (MANE Select); coding-DNA positions 3768 to 3771, 4 bases deleted (CAAA; older notation c.3768_3771delCAAA).
Protein change: p.His1256fs; shifts the reading frame from histidine 1256.
Molecular consequence: frameshift variant.
Genome position (GRCh38, 1-based): chr16:89,282,771-89,282,774, TTTG deleted on the plus strand (CAAA on the coding strand, the reverse complement: ANKRD11 is on the minus strand); deleting any 4 consecutive bases within chr16:89,282,771-89,282,775 gives the same sequence; the c. name uses the placement nearest the transcript's 3' end. VCF-style (leftmost placement, unchanged base first): chr16-89282770-CTTTG-C. GRCh37 (hg19) VCF-style: chr16-89349178-CTTTG-C.
Other names: c.3768_3771del, p.His1256fs (NM_001256182.2, NM_001256183.2); short protein forms H1256fs.
Identifiers: ClinVar variation 3900662 (VCV003900662.2).